The following is an entry in ClinVar:

NM_015166.4(MLC1):c.321+5G>A

Gene: MLC1 (modulator of VRAC current 1; minus strand). Cytogenetic location: 22q13.33.
Variant type: single nucleotide variant.
Coding change: c.321+5G>A on transcript NM_015166.4 (MANE Select); 5 bases into the intron after coding-DNA position 321, G replaced by A.
Molecular consequence: intron variant.
Genome position (GRCh38, 1-based): chr22:50,080,339, C>T on the plus strand (G>A on the coding strand, the complement: MLC1 is on the minus strand). VCF-style: chr22-50080339-C-T. GRCh37 (hg19) VCF-style: chr22-50518768-C-T.
Other names: c.321+5G>A (NM_001376474.1, NM_001376475.1, NM_001376476.1 and 7 more transcripts); c.84+5G>A (NM_001376484.1); c.231+5G>A (NM_001376480.1); c.267+2745G>A (NM_001376482.1, NM_001376483.1).
Identifiers: ClinVar variation 4293835 (VCV004293835.1).

ClinVar aggregate classification (germline): Uncertain significance (1 of 4 stars; one submission).

Conditions:
Megalencephalic leukoencephalopathy with subcortical cysts 1 (MLC1). Also called: LEUKOENCEPHALOPATHY WITH SWELLING AND CYSTS; VACUOLATING MEGALENCEPHALIC LEUKOENCEPHALOPATHY WITH SUBCORTICAL CYSTS. Identifiers: Orphanet 2478, MedGen C5779875, MONDO:0024555, OMIM 604004.

Submission:

3billion
Classification: Uncertain significance for Megalencephalic leukoencephalopathy with subcortical cysts 1. Last evaluated: 2024-08-08. Review status: criteria provided, single submitter. Criteria: ACMG Guidelines, 2015. Collection method: clinical testing. Allele origin: germline. Affected: yes.
Comment: The variant is not observed in the gnomAD v4.0.0 dataset. Predicted Consequence/Location: Intron variant In silico tools predict the variant to alter splicing and produce an abnormal transcript [SpliceAI: 0.94 (>=0.2, moderate evidence for spliceogenicity)]. Therefore, this variant is classified as VUS according to the recommendation of ACMG/AMP guideline.